The following is an entry in ClinVar:

ClinVar aggregate classification (germline): Uncertain significance (1 of 4 stars; one submission).

Conditions:
Hereditary sensory and autonomic neuropathy with spastic paraplegia (HSNSP). Identifiers: Orphanet 139578, MedGen C1850395, MONDO:0009748, OMIM 256840.

Allele frequency attached by ClinVar (database versions not stated): gnomAD 0.00001; gnomAD exomes 0.00001 and 0.00002; TOPMed 0.00002.
gnomAD v4.1: 30 of 1,614,060 alleles (0.0019%); highest among the groups gnomAD compares: East Asian, 0.0045%; no homozygotes.

Submission:

Labcorp Genetics (formerly Invitae), Labcorp
Classification: Uncertain significance for Hereditary sensory and autonomic neuropathy with spastic paraplegia. Last evaluated: 2026-01-19. Review status: criteria provided, single submitter. Criteria: Invitae Variant Classification Sherloc (09022015). Collection method: clinical testing. Allele origin: germline.
Comment: This sequence change replaces valine, which is neutral and non-polar, with isoleucine, which is neutral and non-polar, at codon 193 of the CCT5 protein (p.Val193Ile). This variant is present in population databases (no rsID available, gnomAD 0.006%). This variant has not been reported in the literature in individuals affected with CCT5-related conditions. ClinVar contains an entry for this variant (Variation ID: 1476830). Invitae Evidence Modeling of protein sequence and biophysical properties (such as structural, functional, and spatial information, amino acid conservation, physicochemical variation, residue mobility, and thermodynamic stability) indicates that this missense variant is not expected to disrupt CCT5 protein function with a negative predictive value of 80%. In summary, the available evidence is currently insufficient to determine the role of this variant in disease. Therefore, it has been classified as a Variant of Uncertain Significance.

NM_012073.5(CCT5):c.577G>A (p.Val193Ile)

Gene: CCT5 (chaperonin containing TCP1 subunit 5; plus strand). Cytogenetic location: 5p15.2.
Variant type: single nucleotide variant.
Coding change: c.577G>A on transcript NM_012073.5 (MANE Select); coding-DNA position 577, G replaced by A.
Protein change: p.Val193Ile; replaces valine 193 with isoleucine.
Molecular consequence: missense variant.
Genome position (GRCh38, 1-based): chr5:10,258,157, G>A. VCF-style: chr5-10258157-G-A. GRCh37 (hg19) VCF-style: chr5-10258269-G-A.
Other names: c.514G>A, p.Val172Ile (NM_001306153.1); c.412G>A, p.Val138Ile (NM_001306154.2); c.298G>A, p.Val100Ile (NM_001306155.2); c.463G>A, p.Val155Ile (NM_001306156.2); short protein forms V155I, V100I, V172I, V138I, V193I.
Identifiers: ClinVar variation 1476830 (VCV001476830.6), dbSNP rs978444316, ClinGen allele CA113882017.
Genomic context (GRCh38, chr5:10,258,157, plus strand): 5'-GGTGTTTTCCTCAGGGTCAACAGTTGTCACCGACAGATGGCTGAGATTGCTGTGAATGCC[G>A]TCCTCACTGTAGCAGATATGGAGCGGAGAGACGTTGACTTTGAGCTTATCAAAGTAGAAG-3'
Protein context (NP_036205.1, residues 183-203): RQMAEIAVNA[Val193Ile]LTVADMERRD